The following is an entry in ClinVar:

NM_005647.4(TBL1X):c.771G>A (p.Arg257=)

Gene: TBL1X (transducin beta like 1 X-linked; plus strand). Cytogenetic location: Xp22.2.
Variant type: single nucleotide variant.
Coding change: c.771G>A on transcript NM_005647.4 (MANE Select); coding-DNA position 771, G replaced by A.
Protein change: p.Arg257=; no amino-acid change (arginine 257 retained).
Molecular consequence: synonymous variant.
Genome position (GRCh38, 1-based): chrX:9,692,134, G>A. VCF-style: chrX-9692134-G-A. GRCh37 (hg19) VCF-style: chrX-9660174-G-A.
Other names: c.771G>A, p.Arg257= (NM_001139466.1); c.618G>A, p.Arg206= (NM_001139467.1, NM_001139468.1).
Identifiers: ClinVar variation 3034545 (VCV003034545.3), dbSNP rs138100745, ClinGen allele CA10344597.

ClinVar aggregate classification (germline): Likely benign. Review status: criteria provided, single submitter (1 of 4 stars). 2 submissions from 2 submitters: Likely benign (1). 1 of the submissions does not count toward it. Last evaluated 2022-04-01.

Conditions:
TBL1X-related disorder. Also called: TBL1X-related condition.

Allele frequency attached by ClinVar (database versions not stated): gnomAD exomes 0.00005; 1000 Genomes Project 30x 0.00021; ExAC 0.00022; 1000 Genomes Project 0.00026; gnomAD 0.00036; TOPMed 0.00036; ESP Exome Variant Server 0.00066.
gnomAD v4.1: 96 of 1,210,029 alleles (0.0079%); highest among the groups gnomAD compares: African/African-American, 0.13%; no homozygotes.

Submissions (2):

Blueprint Genetics
Classification: Likely benign. Last evaluated: 2022-04-01. Review status: criteria provided, single submitter. Criteria: ACMG Guidelines, 2015. Collection method: clinical testing. Allele origin: germline.

PreventionGenetics, part of Exact Sciences
Classification: Likely benign for TBL1X-related condition. Last evaluated: 2019-08-09. Review status: no assertion criteria provided. Collection method: clinical testing. Allele origin: germline. Not counted in ClinVar's aggregate classification.
Comment: This variant is classified as likely benign based on ACMG/AMP sequence variant interpretation guidelines (Richards et al. 2015 PMID: 25741868, with internal and published modifications).